The following is an entry in ClinVar:

ClinVar aggregate classification (germline): Pathogenic (1 of 4 stars; one submission).

Conditions:
Actin accumulation myopathy (CMYO2A). Also called: Myopathy, actin, congenital, with cores; Nemaline myopathy 3, with intranuclear rods; Nemaline myopathy type 3; Myopathy, actin, congenital, with excess of thin myofilaments; CONGENITAL MYOPATHY 2A, TYPICAL, AUTOSOMAL DOMINANT. Identifiers: Orphanet 98904, MedGen C3711389, MONDO:0008070, OMIM 161800.

Submission:

Labcorp Genetics (formerly Invitae), Labcorp
Classification: Pathogenic for Actin accumulation myopathy. Last evaluated: 2022-08-09. Review status: criteria provided, single submitter. Criteria: Invitae Variant Classification Sherloc (09022015). Collection method: clinical testing. Allele origin: germline.
Comment: For these reasons, this variant has been classified as Pathogenic. This variant disrupts the p.Thr150 amino acid residue in ACTA1. Other variant(s) that disrupt this residue have been observed in individuals with ACTA1-related conditions (PMID: 12921789, 24787270, 24852243), which suggests that this may be a clinically significant amino acid residue. Advanced modeling of protein sequence and biophysical properties (such as structural, functional, and spatial information, amino acid conservation, physicochemical variation, residue mobility, and thermodynamic stability) performed at Invitae indicates that this missense variant is expected to disrupt ACTA1 protein function. ClinVar contains an entry for this variant (Variation ID: 532769). This missense change has been observed in individual(s) with intranuclear rod myopathy and generalized hypotonia (PMID: 19562689; Invitae). In at least one individual the variant was observed to be de novo. This variant is not present in population databases (gnomAD no frequency). This sequence change replaces threonine, which is neutral and polar, with serine, which is neutral and polar, at codon 150 of the ACTA1 protein (p.Thr150Ser).

Literature cited by the submitters: PubMed 12921789; PubMed 24787270; PubMed 24852243; PubMed 19562689.

NM_001100.4(ACTA1):c.449C>G (p.Thr150Ser)

Gene: ACTA1 (actin alpha 1, skeletal muscle; minus strand). Cytogenetic location: 1q42.13.
Variant type: single nucleotide variant.
Coding change: c.449C>G on transcript NM_001100.4 (MANE Select); coding-DNA position 449, C replaced by G.
Protein change: p.Thr150Ser; replaces threonine 150 with serine.
Molecular consequence: missense variant.
Genome position (GRCh38, 1-based): chr1:229,432,561, G>C on the plus strand (C>G on the coding strand, the complement: ACTA1 is on the minus strand). VCF-style: chr1-229432561-G-C. GRCh37 (hg19) VCF-style: chr1-229568308-G-C.
Other names: short protein forms T150S.
Identifiers: ClinVar variation 532769 (VCV000532769.9), dbSNP rs1553255479, ClinGen allele CA345149092.